The following is an entry in ClinVar:

ClinVar aggregate classification (germline): Uncertain significance (1 of 4 stars; one submission).

Submission:

Labcorp Genetics (formerly Invitae), Labcorp
Classification: Uncertain significance. Last evaluated: 2023-02-13. Review status: criteria provided, single submitter. Criteria: Invitae Variant Classification Sherloc (09022015). Collection method: clinical testing. Allele origin: germline.
Comment: This sequence change replaces glycine, which is neutral and non-polar, with tryptophan, which is neutral and slightly polar, at codon 953 of the GRIN2D protein (p.Gly953Trp). The frequency data for this variant in the population databases is considered unreliable, as metrics indicate insufficient coverage at this position in the gnomAD database. This variant has not been reported in the literature in individuals affected with GRIN2D-related conditions. Advanced modeling of protein sequence and biophysical properties (such as structural, functional, and spatial information, amino acid conservation, physicochemical variation, residue mobility, and thermodynamic stability) performed at Invitae indicates that this missense variant is not expected to disrupt GRIN2D protein function. In summary, the available evidence is currently insufficient to determine the role of this variant in disease. Therefore, it has been classified as a Variant of Uncertain Significance.

NM_000836.4(GRIN2D):c.2857G>T (p.Gly953Trp)

Gene: GRIN2D (glutamate ionotropic receptor NMDA type subunit 2D; plus strand). Cytogenetic location: 19q13.33.
Variant type: single nucleotide variant.
Coding change: c.2857G>T on transcript NM_000836.4 (MANE Select); coding-DNA position 2857, G replaced by T.
Protein change: p.Gly953Trp; replaces glycine 953 with tryptophan.
Molecular consequence: missense variant.
Genome position (GRCh38, 1-based): chr19:48,442,783, G>T. VCF-style: chr19-48442783-G-T. GRCh37 (hg19) VCF-style: chr19-48946040-G-T.
Other names: short protein forms G953W.
Identifiers: ClinVar variation 2836678 (VCV002836678.3), dbSNP rs1439587535, ClinGen allele CA406673999.